The following is an entry in ClinVar:

NM_001008537.3(NEXMIF):c.1020C>G (p.Ser340Arg)

Gene: NEXMIF (neurite extension and migration factor; minus strand). Cytogenetic location: Xq13.3.
Variant type: single nucleotide variant.
Coding change: c.1020C>G on transcript NM_001008537.3 (MANE Select); coding-DNA position 1020, C replaced by G.
Protein change: p.Ser340Arg; replaces serine 340 with arginine.
Molecular consequence: missense variant.
Genome position (GRCh38, 1-based): chrX:74,743,537, G>C on the plus strand (C>G on the coding strand, the complement: NEXMIF is on the minus strand). VCF-style: chrX-74743537-G-C. GRCh37 (hg19) VCF-style: chrX-73963372-G-C.
Other names: short protein forms S340R.
Identifiers: ClinVar variation 3703795 (VCV003703795.2).

ClinVar aggregate classification (germline): Uncertain significance (1 of 4 stars; one submission).

gnomAD v4.1: 2 of 1,209,189 alleles (0.00017%); highest among the groups gnomAD compares: Non-Finnish European, 0.00011%; no homozygotes.

Submission:

Labcorp Genetics (formerly Invitae), Labcorp
Classification: Uncertain significance. Last evaluated: 2024-06-30. Review status: criteria provided, single submitter. Criteria: Invitae Variant Classification Sherloc (09022015). Collection method: clinical testing. Allele origin: germline.
Comment: This sequence change replaces serine, which is neutral and polar, with arginine, which is basic and polar, at codon 340 of the NEXMIF protein (p.Ser340Arg). This variant is not present in population databases (gnomAD no frequency). This variant has not been reported in the literature in individuals affected with NEXMIF-related conditions. An algorithm developed to predict the effect of missense changes on protein structure and function (PolyPhen-2) suggests that this variant is likely to be disruptive. In summary, the available evidence is currently insufficient to determine the role of this variant in disease. Therefore, it has been classified as a Variant of Uncertain Significance.